The following is an entry in ClinVar:

NM_001290060.2(SEMA3B):c.669C>T (p.Pro223=)

Genes: SEMA3B (semaphorin 3B; plus strand), LOC129936787 (ATAC-STARR-seq lymphoblastoid active region 19897; plus strand). Cytogenetic location: 3p21.31.
Variant type: single nucleotide variant.
Coding change: c.669C>T on transcript NM_001290060.2 (MANE Select); coding-DNA position 669, C replaced by T.
Protein change: p.Pro223=; no amino-acid change (proline 223 retained).
Molecular consequence: synonymous variant. On other transcripts: 5 prime UTR variant (2), non-coding transcript variant (1).
Genome position (GRCh38, 1-based): chr3:50,273,302, C>T. VCF-style: chr3-50273302-C-T. GRCh37 (hg19) VCF-style: chr3-50310733-C-T.
Other names: c.669C>T, p.Pro223= (NM_001005914.3, NM_001290061.1, NM_004636.4); c.-358C>T (NM_001290062.2); c.-232C>T (NM_001290063.2).
Identifiers: ClinVar variation 3356287 (VCV003356287.1).

ClinVar aggregate classification (germline): Uncertain significance (0 of 4 stars; one submission).

Conditions:
SEMA3B-related disorder. Also called: SEMA3B-related condition.

Submission:

PreventionGenetics, part of Exact Sciences
Classification: Uncertain significance for SEMA3B-related condition. Last evaluated: 2024-07-01. Review status: no assertion criteria provided. Collection method: clinical testing. Allele origin: germline.
Comment: The SEMA3B c.669C>T is a noncoding alteration. To our knowledge, this variant has not been reported in the literature or in a large population database, indicating this variant is rare. At this time, the clinical significance of this variant is uncertain due to the absence of conclusive functional and genetic evidence.